The following is an entry in ClinVar:

ClinVar aggregate classification (germline): Uncertain significance (1 of 4 stars; one submission).

Submission:

GeneDx
Classification: Uncertain significance. Last evaluated: 2025-02-11. Review status: criteria provided, single submitter. Criteria: GeneDx Variant Classification Process June 2021. Collection method: clinical testing. Allele origin: germline. Affected: yes.
Comment: Not observed at significant frequency in large population cohorts (gnomAD); In silico analysis indicates that this missense variant does not alter protein structure/function; Has not been previously published as pathogenic or benign to our knowledge

NM_004187.5(KDM5C):c.4054G>C (p.Glu1352Gln)

Gene: KDM5C (lysine demethylase 5C; minus strand). Cytogenetic location: Xp11.22.
Variant type: single nucleotide variant.
Coding change: c.4054G>C on transcript NM_004187.5 (MANE Select); coding-DNA position 4054, G replaced by C.
Protein change: p.Glu1352Gln; replaces glutamic acid 1352 with glutamine.
Molecular consequence: missense variant. On other transcripts: non-coding transcript variant (3).
Genome position (GRCh38, 1-based): chrX:53,193,836, C>G on the plus strand (G>C on the coding strand, the complement: KDM5C is on the minus strand). VCF-style: chrX-53193836-C-G. GRCh37 (hg19) VCF-style: chrX-53223018-C-G.
Other names: c.3853G>C, p.Glu1285Gln (NM_001146702.2); c.4051G>C, p.Glu1351Gln (NM_001282622.3, NM_001353979.2, NM_001353982.2); c.4054G>C, p.Glu1352Gln (NM_001353978.3, NM_001353981.2, NM_001353984.2); short protein forms E1285Q, E1351Q, E1352Q.
Identifiers: ClinVar variation 4076660 (VCV004076660.1).
Genomic context (GRCh38, chrX:53,193,836, plus strand): 5'-TCTTACCTGAGCCCTCCTCCGGGGCTACCTTCTCAGGACTGGTCACACTGTCTCCATTCT[C>G]CAGTAAGCCCTGGACCTGCGGAGGAGAGCAAGAATAGGTAGGGGCAACTGAAGTGAAGAA-3'
Protein context (NP_004178.2, residues 1342-1362): KDMPKVQGLL[Glu1352Gln]NGDSVTSPEK